The following is an entry in ClinVar:

NM_004237.4(TRIP13):c.778G>A (p.Ala260Thr)

Gene: TRIP13 (thyroid hormone receptor interactor 13; plus strand). Cytogenetic location: 5p15.33.
Variant type: single nucleotide variant.
Coding change: c.778G>A on transcript NM_004237.4 (MANE Select); coding-DNA position 778, G replaced by A.
Protein change: p.Ala260Thr; replaces alanine 260 with threonine.
Molecular consequence: missense variant.
Genome position (GRCh38, 1-based): chr5:908,373, G>A. VCF-style: chr5-908373-G-A. GRCh37 (hg19) VCF-style: chr5-908488-G-A.
Other names: c.778G>A, p.Ala260Thr (NM_001166260.2); short protein forms A260T.
Identifiers: ClinVar variation 3039276 (VCV003039276.4), dbSNP rs762906422, ClinGen allele CA3179991.
Genomic context (GRCh38, chr5:908,373, plus strand): 5'-CCAGGCCCTGTCCTTTTTGACCCCACTGCTCCCTCCCAACAGGTGGAGAGTCTCACAGCC[G>A]CCCGAAATGCCTGCAGGGCGGGCACCGAGCCATCAGATGCCATCCGCGTGGTCAATGCTG-3'
Protein context (NP_004228.1, residues 250-270): LIDEVESLTA[Ala260Thr]RNACRAGTEP

ClinVar aggregate classification (germline): Uncertain significance. Review status: criteria provided, single submitter (1 of 4 stars). 2 submissions from 2 submitters: Uncertain significance (1). 1 of the submissions does not count toward it. Last evaluated 2025-06-18.

Conditions:
TRIP13-related disorder. Also called: TRIP13-related condition.

Allele frequency attached by ClinVar (database versions not stated): ExAC 0.00001; gnomAD 0.00001; TOPMed 0.00001; gnomAD exomes 0.00002.
gnomAD v4.1: 33 of 1,611,948 alleles (0.002%); highest among the groups gnomAD compares: Non-Finnish European, 0.0024%; no homozygotes.

Submissions (2):

Labcorp Genetics (formerly Invitae), Labcorp
Classification: Uncertain significance. Last evaluated: 2025-06-18. Review status: criteria provided, single submitter. Criteria: Invitae Variant Classification Sherloc (09022015). Collection method: clinical testing. Allele origin: germline.
Comment: This sequence change replaces alanine, which is neutral and non-polar, with threonine, which is neutral and polar, at codon 260 of the TRIP13 protein (p.Ala260Thr). The frequency data for this variant in the population databases is considered unreliable, as metrics indicate poor data quality at this position in the gnomAD database. This variant has not been reported in the literature in individuals affected with TRIP13-related conditions. ClinVar contains an entry for this variant (Variation ID: 3039276). An algorithm developed to predict the effect of missense changes on protein structure and function (PolyPhen-2) suggests that this variant is likely to be tolerated. In summary, the available evidence is currently insufficient to determine the role of this variant in disease. Therefore, it has been classified as a Variant of Uncertain Significance.

PreventionGenetics, part of Exact Sciences
Classification: Uncertain significance for TRIP13-related condition. Last evaluated: 2024-02-05. Review status: no assertion criteria provided. Collection method: clinical testing. Allele origin: germline. Not counted in ClinVar's aggregate classification.
Comment: The TRIP13 c.778G>A variant is predicted to result in the amino acid substitution p.Ala260Thr. To our knowledge, this variant has not been reported in the literature. This variant is reported in 0.0062% of alleles in individuals of African descent in gnomAD. At this time, the clinical significance of this variant is uncertain due to the absence of conclusive functional and genetic evidence.